The following is an entry in ClinVar:

NM_017636.4(TRPM4):c.1634C>A (p.Thr545Asn)

Gene: TRPM4 (transient receptor potential cation channel subfamily M member 4; plus strand). Cytogenetic location: 19q13.33.
Variant type: single nucleotide variant.
Coding change: c.1634C>A on transcript NM_017636.4 (MANE Select); coding-DNA position 1634, C replaced by A.
Protein change: p.Thr545Asn; replaces threonine 545 with asparagine.
Molecular consequence: missense variant.
Genome position (GRCh38, 1-based): chr19:49,183,103, C>A. VCF-style: chr19-49183103-C-A. GRCh37 (hg19) VCF-style: chr19-49686360-C-A.
Other names: c.1634C>A, p.Thr545Asn (NM_001195227.2); c.1289C>A, p.Thr430Asn (NM_001321281.2); c.26C>A, p.Thr9Asn (NM_001321282.2); c.1112C>A, p.Thr371Asn (NM_001321283.2); c.572C>A, p.Thr191Asn (NM_001321285.2); short protein forms T191N, T371N, T430N, T545N, T9N.
Identifiers: ClinVar variation 1052294 (VCV001052294.10), dbSNP rs1296095830, ClinGen allele CA406800322.

ClinVar aggregate classification (germline): Uncertain significance (1 of 4 stars; one submission).

Conditions:
Progressive familial heart block type IB (PFHB1B). Identifiers: Orphanet 871, MedGen C1970298, MONDO:0011474, OMIM 604559.

Allele frequency attached by ClinVar (database versions not stated): gnomAD exomes below 0.00001.
gnomAD v4.1: 3 of 1,613,250 alleles (0.00019%); highest among the groups gnomAD compares: Non-Finnish European, 0.00025%; no homozygotes.

Submission:

Labcorp Genetics (formerly Invitae), Labcorp
Classification: Uncertain significance for Progressive familial heart block type IB. Last evaluated: 2025-09-14. Review status: criteria provided, single submitter. Criteria: Invitae Variant Classification Sherloc (09022015). Collection method: clinical testing. Allele origin: germline.
Comment: This sequence change replaces threonine, which is neutral and polar, with asparagine, which is neutral and polar, at codon 545 of the TRPM4 protein (p.Thr545Asn). This variant is not present in population databases (gnomAD no frequency). This variant has not been reported in the literature in individuals affected with TRPM4-related conditions. ClinVar contains an entry for this variant (Variation ID: 1052294). An algorithm developed to predict the effect of missense changes on protein structure and function outputs the following: PolyPhen-2: "Benign". The asparagine amino acid residue is found in multiple mammalian species, which suggests that this missense change does not adversely affect protein function. In summary, the available evidence is currently insufficient to determine the role of this variant in disease. Therefore, it has been classified as a Variant of Uncertain Significance.